The following is an entry in ClinVar:

ClinVar aggregate classification (germline): Uncertain significance. Review status: criteria provided, multiple submitters, no conflicts (2 of 4 stars). 3 submissions from 3 submitters: Uncertain significance (3). Last evaluated 2025-01-06.

Conditions:
Hereditary cancer-predisposing syndrome. Also called: Neoplastic Syndromes, Hereditary; Hereditary neoplastic syndrome; Tumor predisposition; Hereditary Cancer Syndrome. Identifiers: Orphanet 140162, MedGen C0027672, MeSH D009386, MONDO:0015356.
Hereditary diffuse gastric adenocarcinoma (HDGC). Also called: DIFFUSE GASTRIC AND LOBULAR BREAST CANCER SYNDROME. Identifiers: Orphanet 26106, MedGen C1708349, MONDO:0007648, OMIM 137215.

Allele frequency attached by ClinVar (database versions not stated): gnomAD 0.00001; TOPMed 0.00002.
gnomAD v4.1: 1 of 1,614,010 alleles (0.000062%); highest among the groups gnomAD compares: African/African-American, 0.0013%; no homozygotes.

Submissions (3):

Labcorp Genetics (formerly Invitae), Labcorp
Classification: Uncertain significance for Hereditary diffuse gastric adenocarcinoma. Last evaluated: 2025-01-06. Review status: criteria provided, single submitter. Criteria: Invitae Variant Classification Sherloc (09022015). Collection method: clinical testing. Allele origin: germline.
Comment: This sequence change replaces valine, which is neutral and non-polar, with glycine, which is neutral and non-polar, at codon 493 of the CDH1 protein (p.Val493Gly). This variant is present in population databases (no rsID available, gnomAD 0.01%). This variant has not been reported in the literature in individuals affected with CDH1-related conditions. ClinVar contains an entry for this variant (Variation ID: 843413). An algorithm developed to predict the effect of missense changes on protein structure and function (PolyPhen-2) suggests that this variant is likely to be disruptive. In summary, the available evidence is currently insufficient to determine the role of this variant in disease. Therefore, it has been classified as a Variant of Uncertain Significance.

Ambry Genetics
Classification: Uncertain significance for Hereditary cancer-predisposing syndrome. Last evaluated: 2023-07-20. Review status: criteria provided, single submitter. Criteria: Ambry Variant Classification Scheme 2023. Collection method: clinical testing. Allele origin: germline.
Comment: The p.V493G variant (also known as c.1478T>G), located in coding exon 10 of the CDH1 gene, results from a T to G substitution at nucleotide position 1478. The valine at codon 493 is replaced by glycine, an amino acid with dissimilar properties. This amino acid position is well conserved in available vertebrate species. In addition, this alteration is predicted to be deleterious by in silico analysis. Since supporting evidence is limited at this time, the clinical significance of this alteration remains unclear.

Sema4
Classification: Uncertain significance for Hereditary cancer-predisposing syndrome. Last evaluated: 2021-12-23. Review status: criteria provided, single submitter. Criteria: Sema4 Curation Guidelines. Collection method: curation. Allele origin: germline.
Comment: The CDH1 c.1478T>G (p.V493G) variant has been reported in heterozygosity in at least 1 individual with breast cancer (PMID: 30287823). This variant was observed in 1/8714 chromosomes in the African/African American (AFR) population, according to the Genome Aggregation Database (PMID: 32461654). This variant has been reported in ClinVar (Variation ID: 843413). Functional studies have not been performed, and in silico predictions of the variant's effect on protein function are inconclusive. The evidence is insufficient to meet ACMG/AMP criteria for classifying the variant as benign or pathogenic. Thus, the clinical significance of this variant is currently uncertain.

Literature cited by the submitters: PubMed 30287823 (cited by Sema4).

NM_004360.5(CDH1):c.1478T>G (p.Val493Gly)

Gene: CDH1 (cadherin 1; plus strand). Cytogenetic location: 16q22.1.
Variant type: single nucleotide variant.
Coding change: c.1478T>G on transcript NM_004360.5 (MANE Select); coding-DNA position 1478, T replaced by G.
Protein change: p.Val493Gly; replaces valine 493 with glycine.
Molecular consequence: missense variant. On other transcripts: 5 prime UTR variant (2).
Genome position (GRCh38, 1-based): chr16:68,815,672, T>G. VCF-style: chr16-68815672-T-G. GRCh37 (hg19) VCF-style: chr16-68849575-T-G.
Other names: c.1295T>G, p.Val432Gly (NM_001317184.2); c.-71T>G (NM_001317185.2); c.-342T>G (NM_001317186.2); short protein forms V493G, V432G.
Identifiers: ClinVar variation 843413 (VCV000843413.14), dbSNP rs786202407, ClinGen allele CA283308271.
Genomic context (GRCh38, chr16:68,815,672, plus strand): 5'-TCACCGTGGATGTGCTGGATGTGAATGAAGCCCCCATCTTTGTGCCTCCTGAAAAGAGAG[T>G]GGAAGTGTCCGAGGACTTTGGCGTGGGCCAGGAAATCACATCCTACACTGCCCAGGAGCC-3'
Protein context (NP_004351.1, residues 483-503): APIFVPPEKR[Val493Gly]EVSEDFGVGQ